The following is an entry in ClinVar:

NM_032447.5(FBN3):c.2024G>T (p.Gly675Val)

Gene: FBN3 (fibrillin 3; minus strand). Cytogenetic location: 19p13.2.
Variant type: single nucleotide variant.
Coding change: c.2024G>T on transcript NM_032447.5 (MANE Select); coding-DNA position 2024, G replaced by T.
Protein change: p.Gly675Val; replaces glycine 675 with valine.
Molecular consequence: missense variant.
Genome position (GRCh38, 1-based): chr19:8,131,255, C>A on the plus strand (G>T on the coding strand, the complement: FBN3 is on the minus strand). VCF-style: chr19-8131255-C-A. GRCh37 (hg19) VCF-style: chr19-8196139-C-A.
Other names: c.2024G>T, p.Gly675Val (NM_001321431.2); short protein forms G675V.
Identifiers: ClinVar variation 3715151 (VCV003715151.2).
Genomic context (GRCh38, chr19:8,131,255, plus strand): 5'-GCAGGCTGGCTGCTGTTTGGAGGGGCTGGGCTCCACTTACCTCGACCATCCGTGGTAATG[C>A]CAAGCCCACTGCTGCACAGTGCCTGGAACTCAGCTGGGGATGGAGGGACAGAGTGAGACG-3'
Protein context (NP_115823.3, residues 665-685): EFQALCSSGL[Gly675Val]ITTDGRDINE

ClinVar aggregate classification (germline): Uncertain significance (1 of 4 stars; one submission).

gnomAD v4.1: 12 of 1,611,186 alleles (0.00074%); highest among the groups gnomAD compares: Admixed American, 0.012%; no homozygotes.

Submission:

Labcorp Genetics (formerly Invitae), Labcorp
Classification: Uncertain significance. Last evaluated: 2025-06-12. Review status: criteria provided, single submitter. Criteria: Invitae Variant Classification Sherloc (09022015). Collection method: clinical testing. Allele origin: germline.
Comment: This sequence change replaces glycine, which is neutral and non-polar, with valine, which is neutral and non-polar, at codon 675 of the FBN3 protein (p.Gly675Val). The frequency data for this variant in the population databases is considered unreliable, as metrics indicate poor data quality at this position in the gnomAD database. This variant has not been reported in the literature in individuals affected with FBN3-related conditions. ClinVar contains an entry for this variant (Variation ID: 3715151). Invitae Evidence Modeling of protein sequence and biophysical properties (such as structural, functional, and spatial information, amino acid conservation, physicochemical variation, residue mobility, and thermodynamic stability) indicates that this missense variant is expected to disrupt FBN3 protein function with a positive predictive value of 80%. In summary, the available evidence is currently insufficient to determine the role of this variant in disease. Therefore, it has been classified as a Variant of Uncertain Significance.